The following is an entry in ClinVar:

NM_015650.4(TRAF3IP1):c.44A>G (p.Lys15Arg)

Gene: TRAF3IP1 (TRAF3 interacting protein 1; plus strand). Cytogenetic location: 2q37.3.
Variant type: single nucleotide variant.
Coding change: c.44A>G on transcript NM_015650.4 (MANE Select); coding-DNA position 44, A replaced by G.
Protein change: p.Lys15Arg; replaces lysine 15 with arginine.
Molecular consequence: missense variant.
Genome position (GRCh38, 1-based): chr2:238,320,706, A>G. VCF-style: chr2-238320706-A-G. GRCh37 (hg19) VCF-style: chr2-239229347-A-G.
Other names: c.44A>G, p.Lys15Arg (NM_001139490.1); short protein forms K15R.
Identifiers: ClinVar variation 1498181 (VCV001498181.8), dbSNP rs1357364279, ClinGen allele CA351239724.

ClinVar aggregate classification (germline): Uncertain significance (1 of 4 stars; one submission).

Allele frequency attached by ClinVar (database versions not stated): TOPMed 0.00001.
gnomAD v4.1: 1 of 1,438,674 alleles (0.00007%); highest among the groups gnomAD compares: African/African-American, 0.0015%; no homozygotes.

Submission:

Labcorp Genetics (formerly Invitae), Labcorp
Classification: Uncertain significance. Last evaluated: 2021-07-14. Review status: criteria provided, single submitter. Criteria: Invitae Variant Classification Sherloc (09022015). Collection method: clinical testing. Allele origin: germline.
Comment: In summary, the available evidence is currently insufficient to determine the role of this variant in disease. Therefore, it has been classified as a Variant of Uncertain Significance. Algorithms developed to predict the effect of missense changes on protein structure and function output the following: SIFT: "Deleterious"; PolyPhen-2: "Benign"; Align-GVGD: "Class C0". The arginine amino acid residue is found in multiple mammalian species, which suggests that this missense change does not adversely affect protein function. This variant has not been reported in the literature in individuals affected with TRAF3IP1-related conditions. The frequency data for this variant in the population databases is considered unreliable, as metrics indicate insufficient coverage at this position in the ExAC database. This sequence change replaces lysine with arginine at codon 15 of the TRAF3IP1 protein (p.Lys15Arg). The lysine residue is highly conserved and there is a small physicochemical difference between lysine and arginine.